The following is an entry in ClinVar:

NM_001042492.3(NF1):c.6363_6364insGGAA (p.Thr2122fs)

Gene: NF1 (neurofibromin 1; plus strand). Cytogenetic location: 17q11.2.
Variant type: Insertion.
Coding change: c.6363_6364insGGAA on transcript NM_001042492.3 (MANE Select); coding-DNA positions 6363 to 6364, GGAA inserted.
Protein change: p.Thr2122fs; shifts the reading frame from threonine 2122.
Molecular consequence: frameshift variant.
Genome position: GRCh38 VCF-style: chr17-31336850-C-CGGAA. GRCh37 (hg19) VCF-style: chr17-29663868-C-CGGAA.
Other names: c.6300_6301insGGAA, p.Thr2101Glyfs (NM_000267.4); short protein forms T2122fs, T2101fs.
Identifiers: ClinVar variation 3879020 (VCV003879020.1).

ClinVar aggregate classification (germline): Pathogenic (1 of 4 stars; one submission).

Conditions:
Cardiovascular phenotype. Identifiers: MedGen CN230736.
Hereditary cancer-predisposing syndrome. Also called: Tumor predisposition; Neoplastic Syndromes, Hereditary; Hereditary Cancer Syndrome; Hereditary neoplastic syndrome. Identifiers: Orphanet 140162, MedGen C0027672, MeSH D009386, MONDO:0015356.

Submission:

Ambry Genetics
Classification: Pathogenic for Cardiovascular phenotype; Hereditary cancer-predisposing syndrome. Last evaluated: 2024-12-23. Review status: criteria provided, single submitter. Criteria: Ambry Variant Classification Scheme 2023. Collection method: clinical testing. Allele origin: germline.
Comment: The c.6300_6301insGGAA pathogenic mutation, located in coding exon 41 of the NF1 gene, results from an insertion of 4 nucleotides at position 6300, causing a translational frameshift with a predicted alternate stop codon (p.T2101Gfs*8). This variant is considered to be rare based on population cohorts in the Genome Aggregation Database (gnomAD). This alteration is expected to result in loss of function by premature protein truncation or nonsense-mediated mRNA decay. As such, this alteration is interpreted as a disease-causing mutation.